The following is an entry in ClinVar:

ClinVar aggregate classification (germline): Likely benign. Review status: criteria provided, multiple submitters, no conflicts (2 of 4 stars). 2 submissions from 2 submitters: Likely benign (2). Last evaluated 2023-12-08.

Conditions:
Dilated cardiomyopathy 1G (CMD1G). Identifiers: Orphanet 154, MedGen C1858763, MONDO:0011400, OMIM 604145.
Autosomal recessive limb-girdle muscular dystrophy type 2J (LGMDR10). Also called: MUSCULAR DYSTROPHY, LIMB-GIRDLE, AUTOSOMAL RECESSIVE 10; Limb-girdle muscular dystrophy, type 2J. Identifiers: Orphanet 140922, MedGen C1837342, MONDO:0012127, OMIM 608807.

Allele frequency attached by ClinVar (database versions not stated): gnomAD exomes below 0.00001; gnomAD 0.00001; ExAC 0.00002; 1000 Genomes Project 30x 0.00016; 1000 Genomes Project 0.00020.
gnomAD v4.1: 3 of 1,568,592 alleles (0.00019%); highest among the groups gnomAD compares: East Asian, 0.0045%; no homozygotes.

Submissions (2):

Labcorp Genetics (formerly Invitae), Labcorp
Classification: Likely benign for Dilated cardiomyopathy 1G; Autosomal recessive limb-girdle muscular dystrophy type 2J. Last evaluated: 2023-12-08. Review status: criteria provided, single submitter. Criteria: Invitae Variant Classification Sherloc (09022015). Collection method: clinical testing. Allele origin: germline.

GeneDx
Classification: Likely benign. Last evaluated: 2016-11-17. Review status: criteria provided, single submitter. Criteria: GeneDx Variant Classification (06012015). Collection method: clinical testing. Allele origin: germline. Affected: yes.
Comment: This variant is considered likely benign or benign based on one or more of the following criteria: it is a conservative change, it occurs at a poorly conserved position in the protein, it is predicted to be benign by multiple in silico algorithms, and/or has population frequency not consistent with disease.

NM_001267550.2(TTN):c.32888-19G>A

Gene: TTN (titin; minus strand). Cytogenetic location: 2q31.2.
Variant type: single nucleotide variant.
Coding change: c.32888-19G>A on transcript NM_001267550.2 (MANE Select); 19 bases into the intron before coding-DNA position 32888, G replaced by A.
Molecular consequence: intron variant.
Genome position (GRCh38, 1-based): chr2:178,682,922, C>T on the plus strand (G>A on the coding strand, the complement: TTN is on the minus strand). VCF-style: chr2-178682922-C-T. GRCh37 (hg19) VCF-style: chr2-179547649-C-T.
Other names: c.31937-19G>A (NM_001256850.1); c.13283-40605G>A (NM_003319.4); c.13859-40605G>A (NM_133437.4); c.13658-40605G>A (NM_133432.3); c.29156-19G>A (NM_133378.4).
Identifiers: ClinVar variation 390950 (VCV000390950.4), dbSNP rs141514650, ClinGen allele CA1998497.